The following is an entry in ClinVar:

NM_003978.5(PSTPIP1):c.-1G>A

Gene: PSTPIP1 (proline-serine-threonine phosphatase interacting protein 1; plus strand). Cytogenetic location: 15q24.3.
Variant type: single nucleotide variant.
Coding change: c.-1G>A on transcript NM_003978.5 (MANE Select); 1 bases upstream of the start codon, G replaced by A.
Molecular consequence: 5 prime UTR variant. On other transcripts: synonymous variant (1), non-coding transcript variant (1).
Genome position (GRCh38, 1-based): chr15:76,995,573, G>A. VCF-style: chr15-76995573-G-A. GRCh37 (hg19) VCF-style: chr15-77287914-G-A.
Other names: c.-1G>A (NM_001321135.2, NM_001411086.1); c.-247G>A (NM_001321136.2); c.195G>A, p.Arg65= (NM_001321137.1).
Identifiers: ClinVar variation 3054310 (VCV003054310.10), dbSNP rs368477308, ClinGen allele CA7675639.

ClinVar aggregate classification (germline): Benign/Likely benign. Review status: criteria provided, multiple submitters, no conflicts (2 of 4 stars). 4 submissions from 4 submitters: Benign (1); Likely benign (2). 1 of the submissions does not count toward it. Last evaluated 2026-02-12.

Conditions:
PSTPIP1-related disorder. Also called: PSTPIP1-related condition.

Allele frequency attached by ClinVar (database versions not stated): ExAC 0.00009; TOPMed 0.00014; 1000 Genomes Project 30x 0.00016; gnomAD 0.00018; ESP Exome Variant Server 0.00032.
gnomAD v4.1: 65 of 1,613,906 alleles (0.004%); highest among the groups gnomAD compares: African/African-American, 0.073%; no homozygotes.

Submissions (4):

Women's Health and Genetics/Laboratory Corporation of America, LabCorp
Classification: Benign. Last evaluated: 2026-02-12. Review status: criteria provided, single submitter. Criteria: LabCorp Variant Classification Summary - May 2015. Collection method: clinical testing. Allele origin: germline.
Comment: Variant summary: PSTPIP1 c.-1G>A is located in the untranslated mRNA region upstream of the initiation codon. The variant allele was found at a frequency of 6.8e-05 in 248450 control chromosomes. The observed variant frequency exceeds the estimated maximal expected allele frequency for disease-causing variants in PSTPIP1. To our knowledge, no occurrence of c.-1G>A in individuals affected with PSTPIP1-related conditions and no experimental evidence demonstrating its impact on protein function have been reported. ClinVar contains an entry for this variant (Variation ID: 3054310). Based on the evidence outlined above, the variant was classified as benign.

CeGaT Center for Human Genetics Tuebingen
Classification: Likely benign. Last evaluated: 2025-11-01. Review status: criteria provided, single submitter. Criteria: CeGaT Center For Human Genetics Tuebingen Variant Classification Criteria Version 2. Collection method: clinical testing. Allele origin: germline. Affected: yes. Observed: 1 variant allele.
Comment: PSTPIP1: BP4

Blueprint Genetics
Classification: Likely benign. Last evaluated: 2024-09-09. Review status: criteria provided, single submitter. Criteria: ACMG Guidelines, 2015. Collection method: clinical testing. Allele origin: germline.

PreventionGenetics, part of Exact Sciences
Classification: Likely benign for PSTPIP1-related condition. Last evaluated: 2022-05-04. Review status: no assertion criteria provided. Collection method: clinical testing. Allele origin: germline. Not counted in ClinVar's aggregate classification.
Comment: This variant is classified as likely benign based on ACMG/AMP sequence variant interpretation guidelines (Richards et al. 2015 PMID: 25741868, with internal and published modifications).